The following is an entry in ClinVar:

NM_016123.4(IRAK4):c.1347G>A (p.Lys449=)

Gene: IRAK4 (interleukin 1 receptor associated kinase 4; plus strand). Cytogenetic location: 12q12.
Variant type: single nucleotide variant.
Coding change: c.1347G>A on transcript NM_016123.4 (MANE Select); coding-DNA position 1347, G replaced by A.
Protein change: p.Lys449=; no amino-acid change (lysine 449 retained).
Molecular consequence: synonymous variant.
Genome position (GRCh38, 1-based): chr12:43,786,557, G>A. VCF-style: chr12-43786557-G-A. GRCh37 (hg19) VCF-style: chr12-44180360-G-A.
Other names: c.1347G>A, p.Lys449= (NM_001114182.3, NM_001351345.2); c.975G>A, p.Lys325= (NM_001145256.2, NM_001145257.2, NM_001145258.2 and 5 more transcripts); c.738G>A, p.Lys246= (NM_001351343.2, NM_001351344.2).
Identifiers: ClinVar variation 1006198 (VCV001006198.7), dbSNP rs2040738109, ClinGen allele CA479403826.

ClinVar aggregate classification (germline): Uncertain significance (1 of 4 stars; one submission).

Conditions:
Immunodeficiency 67. Also called: Immunodeficiency due to interleukin-1 receptor-associated kinase-4 deficiency. Identifiers: Orphanet 70592, MedGen C1843256, MONDO:0011888, OMIM 607676.

Allele frequency attached by ClinVar (database versions not stated): gnomAD exomes below 0.00001; TOPMed below 0.00001; gnomAD 0.00001.
gnomAD v4.1: 3 of 1,613,112 alleles (0.00019%); highest among the groups gnomAD compares: East Asian, 0.0022%; no homozygotes.

Submission:

Labcorp Genetics (formerly Invitae), Labcorp
Classification: Uncertain significance for Immunodeficiency 67. Last evaluated: 2020-09-25. Review status: criteria provided, single submitter. Criteria: Invitae Variant Classification Sherloc (09022015). Collection method: clinical testing. Allele origin: germline.
Comment: This sequence change affects codon 449 of the IRAK4 mRNA. It is a 'silent' change, meaning that it does not change the encoded amino acid sequence of the IRAK4 protein. This variant also falls at the last nucleotide of exon 11 of the IRAK4 coding sequence, which is part of the consensus splice site for this exon. This variant is not present in population databases (ExAC no frequency). This variant has not been reported in the literature in individuals with IRAK4-related conditions. Nucleotide substitutions within the consensus splice site are a relatively common cause of aberrant splicing (PMID: 17576681, 9536098). Algorithms developed to predict the effect of sequence changes on RNA splicing suggest that this variant may disrupt the consensus splice site, but this prediction has not been confirmed by published transcriptional studies. In summary, the available evidence is currently insufficient to determine the role of this variant in disease. Therefore, it has been classified as a Variant of Uncertain Significance.

Literature cited by the submitters: PubMed 17576681; PubMed 9536098.